The following is an entry in ClinVar:

NM_006904.7(PRKDC):c.413T>A (p.Phe138Tyr)

Gene: PRKDC (protein kinase, DNA-activated, catalytic subunit; minus strand). Cytogenetic location: 8q11.21.
Variant type: single nucleotide variant.
Coding change: c.413T>A on transcript NM_006904.7 (MANE Select); coding-DNA position 413, T replaced by A.
Protein change: p.Phe138Tyr; replaces phenylalanine 138 with tyrosine.
Molecular consequence: missense variant.
Genome position (GRCh38, 1-based): chr8:47,954,433, A>T on the plus strand (T>A on the coding strand, the complement: PRKDC is on the minus strand). VCF-style: chr8-47954433-A-T. GRCh37 (hg19) VCF-style: chr8-48866993-A-T.
Other names: c.413T>A, p.Phe138Tyr (NM_001081640.2); short protein forms F138Y.
Identifiers: ClinVar variation 2497376 (VCV002497376.2), dbSNP rs772597029, ClinGen allele CA371139248.

ClinVar aggregate classification (germline): Uncertain significance (1 of 4 stars; one submission).

Submission:

Ambry Genetics
Classification: Uncertain significance. Last evaluated: 2023-02-04. Review status: criteria provided, single submitter. Criteria: Ambry Variant Classification Scheme 2023. Collection method: clinical testing. Allele origin: germline.
Comment: The p.F138Y variant (also known as c.413T>A), located in coding exon 5 of the PRKDC gene, results from a T to A substitution at nucleotide position 413. The phenylalanine at codon 138 is replaced by tyrosine, an amino acid with highly similar properties. This amino acid position is conserved. In addition, this alteration is predicted to be tolerated by in silico analysis. Since supporting evidence is limited at this time, the clinical significance of this alteration remains unclear.